The following is an entry in ClinVar:

NM_015662.3(IFT172):c.2503G>A (p.Gly835Ser)

Gene: IFT172 (intraflagellar transport 172; minus strand). Cytogenetic location: 2p23.3.
Variant type: single nucleotide variant.
Coding change: c.2503G>A on transcript NM_015662.3 (MANE Select); coding-DNA position 2503, G replaced by A.
Protein change: p.Gly835Ser; replaces glycine 835 with serine.
Molecular consequence: missense variant.
Genome position (GRCh38, 1-based): chr2:27,461,033, C>T on the plus strand (G>A on the coding strand, the complement: IFT172 is on the minus strand). VCF-style: chr2-27461033-C-T. GRCh37 (hg19) VCF-style: chr2-27683900-C-T.
Other names: c.2503G>A (NM_015662.2); short protein forms G835S.
Identifiers: ClinVar variation 1511562 (VCV001511562.6), dbSNP rs1474467674, ClinGen allele CA346383516.

ClinVar aggregate classification (germline): Uncertain significance. Review status: criteria provided, single submitter (1 of 4 stars). 2 submissions from 2 submitters: Uncertain significance (1). 1 of the submissions does not count toward it. Last evaluated 2022-03-10.

Conditions:
Retinitis pigmentosa 71 (RP71). Identifiers: Orphanet 791, MedGen C4225342, MONDO:0014618, OMIM 616394.
Short-rib thoracic dysplasia 10 with or without polydactyly (SRTD10). Identifiers: Orphanet 474, MedGen C3810175, MONDO:0014284, OMIM 615630.
IFT172-related disorder. Also called: IFT172-related disorders; IFT172-related condition.

Allele frequency attached by ClinVar (database versions not stated): gnomAD exomes below 0.00001; TOPMed 0.00001.
gnomAD v4.1: 1 of 1,614,144 alleles (0.000062%); highest among the groups gnomAD compares: Admixed American, 0.0017%; no homozygotes.

Submissions (2):

Labcorp Genetics (formerly Invitae), Labcorp
Classification: Uncertain significance for Retinitis pigmentosa 71; Short-rib thoracic dysplasia 10 with or without polydactyly. Last evaluated: 2022-03-10. Review status: criteria provided, single submitter. Criteria: Invitae Variant Classification Sherloc (09022015). Collection method: clinical testing. Allele origin: germline.
Comment: This sequence change replaces glycine, which is neutral and non-polar, with serine, which is neutral and polar, at codon 835 of the IFT172 protein (p.Gly835Ser). This variant is present in population databases (no rsID available, gnomAD 0.003%). This variant has not been reported in the literature in individuals affected with IFT172-related conditions. Algorithms developed to predict the effect of missense changes on protein structure and function are either unavailable or do not agree on the potential impact of this missense change (SIFT: "Deleterious"; PolyPhen-2: "Possibly Damaging"; Align-GVGD: "Class C0"). In summary, the available evidence is currently insufficient to determine the role of this variant in disease. Therefore, it has been classified as a Variant of Uncertain Significance.

PreventionGenetics, part of Exact Sciences
Classification: Uncertain significance for IFT172-related condition. Last evaluated: 2024-06-04. Review status: no assertion criteria provided. Collection method: clinical testing. Allele origin: germline. Not counted in ClinVar's aggregate classification.
Comment: The IFT172 c.2503G>A variant is predicted to result in the amino acid substitution p.Gly835Ser. To our knowledge, this variant has not been reported in the literature. This variant is reported in 0.0029% of alleles in individuals of Latino descent in gnomAD. At this time, the clinical significance of this variant is uncertain due to the absence of conclusive functional and genetic evidence.